The following is an entry in ClinVar:

NM_004727.3(SLC24A1):c.*778C>T

Gene: SLC24A1 (solute carrier family 24 member 1; plus strand). Cytogenetic location: 15q22.31.
Variant type: single nucleotide variant.
Coding change: c.*778C>T on transcript NM_004727.3 (MANE Select); 778 bases downstream of the stop codon, C replaced by T.
Molecular consequence: 3 prime UTR variant. On other transcripts: intron variant (1).
Genome position (GRCh38, 1-based): chr15:65,654,857, C>T. VCF-style: chr15-65654857-C-T. GRCh37 (hg19) VCF-style: chr15-65947195-C-T.
Other names: c.*778C>T (NM_001254740.2, NM_001301031.1, NM_001301032.1); c.2996+2049C>T (NM_001301033.2).
Identifiers: ClinVar variation 316817 (VCV000316817.6), dbSNP rs150126578, ClinGen allele CA7620372.
Genomic context (GRCh38, chr15:65,654,857, plus strand): 5'-CCCGGTTCAAGCAATTCTCCTGCCTCAGCCTGAAGTCGTGATCTGCCCGCCTCGGCCTCC[C>T]AAAGTGCTGGGATTACAGGCGTCAGCCACCGCGCCTGGCCTATACCAGTATTTTCTAGTT-3'

ClinVar aggregate classification (germline): Benign. Review status: criteria provided, multiple submitters, no conflicts (2 of 4 stars). 2 submissions from 2 submitters: Benign (2). Last evaluated 2018-01-12.

Conditions:
Congenital stationary night blindness 1D. Also called: Night blindness, congenital stationary (complete), 1D, autosomal recessive. Identifiers: Orphanet 215, MedGen C3151193, MONDO:0013450, OMIM 613830.

Allele frequency attached by ClinVar (database versions not stated): gnomAD 0.00629 and 0.00714; TOPMed 0.00674; gnomAD exomes 0.00721 and 0.00849; 1000 Genomes Project 30x 0.01062; 1000 Genomes Project 0.01118; ExAC 0.02183.
gnomAD v4.1: 8,257 of 1,136,272 alleles (0.73%); highest among the groups gnomAD compares: South Asian, 3.6%; 85 homozygotes.

Submissions (2):

Illumina Laboratory Services, Illumina
Classification: Benign for Congenital stationary night blindness 1D. Last evaluated: 2018-01-12. Review status: criteria provided, single submitter. Criteria: ICSL Variant Classification Criteria 13 December 2019. Collection method: clinical testing. Allele origin: germline.
Comment: This variant was observed in the ICSL laboratory as part of a predisposition screen in an ostensibly healthy population. It had not been previously curated by ICSL or reported in the Human Gene Mutation Database (HGMD: prior to June 1st, 2018), and was therefore a candidate for classification through an automated scoring system. Utilizing variant allele frequency, disease prevalence and penetrance estimates, and inheritance mode, an automated score was calculated to assess if this variant is too frequent to cause the disease. Based on the score and internal cut-off values, a variant classified as benign is not then subjected to further curation. The score for this variant resulted in a classification of benign for this disease.

Breakthrough Genomics
Classification: Benign. Review status: criteria provided, single submitter. Criteria: ACMG Guidelines, 2015. Collection method: not provided. Allele origin: germline. Inheritance: Autosomal recessive inheritance. Affected: yes.